The following is an entry in ClinVar:

Single allele

Genes: HHATL (hedgehog acyltransferase like; minus strand), KLHL40 (kelch like family member 40; plus strand). Cytogenetic location: 3p22.1.
Variant type: Deletion.
Identifiers: ClinVar variation 4857652 (VCV004857652.1).

ClinVar aggregate classification (germline): Pathogenic (1 of 4 stars; one submission).

Conditions:
Nemaline myopathy 8 (NEM8). Also called: Nemaline myopathy 8, autosomal recessive. Identifiers: Orphanet 171430, MedGen C3809209, MONDO:0014138, OMIM 615348.

Submission:

Harry Perkins Institute Of Medical Research, University Of Western Australia
Classification: Pathogenic for Nemaline myopathy 8. Review status: criteria provided, single submitter. Criteria: ACMG Guidelines, 2015. Collection method: research. Allele origin: germline. Inheritance: Autosomal recessive inheritance. Affected: yes. Observed: 1 variant allele, 1 compound heterozygote.
Comment: PVS1, PM3, PM2. Variant identified in trans with likely pathogenic KLHL40 3'UTR variant (c.*152G>T) associated with aberrant splicing

Literature cited by the submitters: PubMed 36322148.